The following is an entry in ClinVar:

NM_004371.4(COPA):c.3001C>A (p.Leu1001Met)

Gene: COPA (coat protein complex I subunit alpha; minus strand). Cytogenetic location: 1q23.2.
Variant type: single nucleotide variant.
Coding change: c.3001C>A on transcript NM_004371.4 (MANE Select); coding-DNA position 3001, C replaced by A.
Protein change: p.Leu1001Met; replaces leucine 1001 with methionine.
Molecular consequence: missense variant.
Genome position (GRCh38, 1-based): chr1:160,292,158, G>T on the plus strand (C>A on the coding strand, the complement: COPA is on the minus strand). VCF-style: chr1-160292158-G-T. GRCh37 (hg19) VCF-style: chr1-160261948-G-T.
Other names: c.3028C>A, p.Leu1010Met (NM_001098398.2); short protein forms L1001M, L1010M.
Identifiers: ClinVar variation 2122123 (VCV002122123.4), dbSNP rs940862383, ClinGen allele CA343272455.
Genomic context (GRCh38, chr1:160,292,158, plus strand): 5'-TGCCAACTGTGGTGAGCTGGTAGCACAGCTGCAACCGTTGGATGAGGTCATTAAGCTTCA[G>T]GCCCACAGCTGGTACACCATTCTTCAGCCCTGCATCCTTCCTGGAAAGGGAAAAGTAGGA-3'
Protein context (NP_004362.2, residues 991-1011): GLKNGVPAVG[Leu1001Met]KLNDLIQRLQ

ClinVar aggregate classification (germline): Uncertain significance (1 of 4 stars; one submission).

Conditions:
Autoimmune interstitial lung disease-arthritis syndrome. Also called: Autoinflammation and autoimmunity, systemic, with immune dysregulation. Identifiers: Orphanet 444092, MedGen C5975714, MONDO:0014629.

Submission:

Labcorp Genetics (formerly Invitae), Labcorp
Classification: Uncertain significance for Autoimmune interstitial lung disease-arthritis syndrome. Last evaluated: 2022-04-06. Review status: criteria provided, single submitter. Criteria: Invitae Variant Classification Sherloc (09022015). Collection method: clinical testing. Allele origin: germline.
Comment: In summary, the available evidence is currently insufficient to determine the role of this variant in disease. Therefore, it has been classified as a Variant of Uncertain Significance. Advanced modeling of protein sequence and biophysical properties (such as structural, functional, and spatial information, amino acid conservation, physicochemical variation, residue mobility, and thermodynamic stability) performed at Invitae indicates that this missense variant is not expected to disrupt COPA protein function. This variant has not been reported in the literature in individuals affected with COPA-related conditions. This variant is not present in population databases (gnomAD no frequency). This sequence change replaces leucine, which is neutral and non-polar, with methionine, which is neutral and non-polar, at codon 1001 of the COPA protein (p.Leu1001Met).